The following is an entry in ClinVar:

NM_000038.6(APC):c.6779G>A (p.Ser2260Asn)

Gene: APC (APC regulator of Wnt signaling pathway; plus strand). Cytogenetic location: 5q22.2.
Variant type: single nucleotide variant.
Coding change: c.6779G>A on transcript NM_000038.6 (MANE Select); coding-DNA position 6779, G replaced by A.
Protein change: p.Ser2260Asn; replaces serine 2260 with asparagine.
Molecular consequence: missense variant.
Genome position (GRCh38, 1-based): chr5:112,842,373, G>A. VCF-style: chr5-112842373-G-A. GRCh37 (hg19) VCF-style: chr5-112178070-G-A.
Other names: c.6779G>A, p.Ser2260Asn (NM_001127510.3, NM_001354895.2); c.6725G>A, p.Ser2242Asn (NM_001127511.3); c.6833G>A, p.Ser2278Asn (NM_001354896.2); c.6809G>A, p.Ser2270Asn (NM_001354897.2); c.6704G>A, p.Ser2235Asn (NM_001354898.2); c.6695G>A, p.Ser2232Asn (NM_001354899.2); c.6656G>A, p.Ser2219Asn (NM_001354900.2); c.6602G>A, p.Ser2201Asn (NM_001354901.2); and 5 more; short protein forms S2242N, S2260N, S2169N, S2232N, S2270N, S1977N, S2159N, S2201N.
Identifiers: ClinVar variation 140955 (VCV000140955.27), dbSNP rs587781393, ClinGen allele CA012506.

ClinVar aggregate classification (germline): Conflicting classifications of pathogenicity. Review status: criteria provided, conflicting classifications (1 of 4 stars). 6 submissions from 6 submitters: Uncertain significance (5); Likely benign (1). Last evaluated 2026-01-28.

Conditions:
Classic or attenuated familial adenomatous polyposis. Identifiers: MedGen CN372698, MONDO:0021057.
Hereditary cancer-predisposing syndrome. Also called: Neoplastic Syndromes, Hereditary; Tumor predisposition; Hereditary Cancer Syndrome; Hereditary neoplastic syndrome. Identifiers: Orphanet 140162, MedGen C0027672, MeSH D009386, MONDO:0015356.
Familial adenomatous polyposis 1 (FAP1). Also called: FAMILIAL ADENOMATOUS POLYPOSIS 1, ATTENUATED; POLYPOSIS, ADENOMATOUS INTESTINAL. Identifiers: MedGen C2713442, MONDO:0021056, OMIM 175100. Disease mechanism: loss of function.

Allele frequency attached by ClinVar (database versions not stated): gnomAD 0.00001; gnomAD exomes 0.00001 and 0.00002; ExAC 0.00002; TOPMed 0.00002.
gnomAD v4.1: 27 of 1,613,878 alleles (0.0017%); highest among the groups gnomAD compares: Non-Finnish European, 0.0021%; no homozygotes.

Submissions (6):

Labcorp Genetics (formerly Invitae), Labcorp
Classification: Uncertain significance for Familial adenomatous polyposis 1. Last evaluated: 2026-01-28. Review status: criteria provided, single submitter. Criteria: Invitae Variant Classification Sherloc (09022015). Collection method: clinical testing. Allele origin: germline.
Comment: This sequence change replaces serine, which is neutral and polar, with asparagine, which is neutral and polar, at codon 2260 of the APC protein (p.Ser2260Asn). This variant is present in population databases (rs587781393, gnomAD 0.004%). This variant has not been reported in the literature in individuals affected with APC-related conditions. ClinVar contains an entry for this variant (Variation ID: 140955). Invitae Evidence Modeling of protein sequence and biophysical properties (such as structural, functional, and spatial information, amino acid conservation, physicochemical variation, residue mobility, and thermodynamic stability) indicates that this missense variant is not expected to disrupt APC protein function with a negative predictive value of 95%. In summary, the available evidence is currently insufficient to determine the role of this variant in disease. Therefore, it has been classified as a Variant of Uncertain Significance.

Color Diagnostics, LLC DBA Color Health
Classification: Likely benign for Hereditary cancer-predisposing syndrome. Last evaluated: 2025-09-11. Review status: criteria provided, single submitter. Criteria: ACMG Guidelines, 2015. Collection method: clinical testing. Allele origin: germline.

Ambry Genetics
Classification: Uncertain significance for Hereditary cancer-predisposing syndrome. Last evaluated: 2024-04-04. Review status: criteria provided, single submitter. Criteria: Ambry Variant Classification Scheme 2023. Collection method: clinical testing. Allele origin: germline.
Comment: The p.S2260N variant (also known as c.6779G>A), located in coding exon 15 of the APC gene, results from a G to A substitution at nucleotide position 6779. The serine at codon 2260 is replaced by asparagine, an amino acid with highly similar properties. This alteration was identified in a cohort of triple-negative breast cancer patients undergoing multigene panel testing; the same patient also had the APC p.Ala740Pro (c.2218G>C) alteration (Lovejoy LA et al. Austin J Cancer Clin Res. 2018 Jun;5(1)). This amino acid position is highly conserved through mammals but not in all available vertebrate species. In addition, in silico predictors for this gene do not accurately predict pathogenicity. Since supporting evidence is limited at this time, the clinical significance of this alteration remains unclear.

Baylor Genetics
Classification: Uncertain significance for Familial adenomatous polyposis 1. Last evaluated: 2024-03-08. Review status: criteria provided, single submitter. Criteria: ACMG Guidelines, 2015. Collection method: clinical testing. Allele origin: unknown.

All of Us Research Program, National Institutes of Health
Classification: Uncertain significance for Classic or attenuated familial adenomatous polyposis. Last evaluated: 2023-11-30. Review status: criteria provided, single submitter. Criteria: ACMG Guidelines, 2015. Collection method: clinical testing. Allele origin: germline. Inheritance: Autosomal dominant inheritance. Observed: 4 variant alleles, 4 heterozygotes.
Comment: This missense variant replaces serine with asparagine at codon 2260 of the APC protein. Computational prediction suggests that this variant may not impact protein structure and function (internally defined REVEL score threshold <= 0.5, PMID: 27666373). To our knowledge, functional studies have not been performed for this variant. This variant has been identified in 3/282380 chromosomes in the general population by the Genome Aggregation Database (gnomAD). The available evidence is insufficient to determine the role of this variant in disease conclusively. Therefore, this variant is classified as a Variant of Uncertain Significance.

This study involves interpretation of variants in research participants for the purpose of population health screening. Participant phenotype was not available at the time of variant classification. Additional details can be found in publication PMID: 35346344, PMCID: PMC8962531

GeneDx
Classification: Uncertain significance. Last evaluated: 2023-11-14. Review status: criteria provided, single submitter. Criteria: GeneDx Variant Classification Process June 2021. Collection method: clinical testing. Allele origin: germline. Affected: yes.
Comment: Not observed at significant frequency in large population cohorts (gnomAD); In silico analysis supports that this missense variant does not alter protein structure/function; Observed with another APC variant (p.A740P) in an individual with personal and family history of breast cancer; however, it is unknown whether the two APC variants were on the same (in cis) or opposite (in trans) allele (Lovejoy LA et al., (2018) Austin J Cancer Clin Res. 5 (1):1082a); This variant is associated with the following publications: (PMID: 25256751, 18199528, Lovejoy2018)